The following is an entry in ClinVar:

NM_001005373.4(LRSAM1):c.206C>G (p.Ser69Cys)

Gene: LRSAM1 (leucine rich repeat and sterile alpha motif containing 1; plus strand). Cytogenetic location: 9q33.3.
Variant type: single nucleotide variant.
Coding change: c.206C>G on transcript NM_001005373.4 (MANE Select); coding-DNA position 206, C replaced by G.
Protein change: p.Ser69Cys; replaces serine 69 with cysteine.
Molecular consequence: missense variant. On other transcripts: 5 prime UTR variant (1), non-coding transcript variant (2).
Genome position (GRCh38, 1-based): chr9:127,457,347, C>G. VCF-style: chr9-127457347-C-G. GRCh37 (hg19) VCF-style: chr9-130219626-C-G.
Other names: c.206C>G, p.Ser69Cys (NM_001005374.4, NM_001190723.3, NM_001384142.1 and 2 more transcripts); c.-579C>G (NM_001384144.1); short protein forms S69C.
Identifiers: ClinVar variation 408263 (VCV000408263.11), dbSNP rs942116544, ClinGen allele CA16612581.

ClinVar aggregate classification (germline): Uncertain significance. Review status: criteria provided, multiple submitters, no conflicts (2 of 4 stars). 2 submissions from 2 submitters: Uncertain significance (2). Last evaluated 2024-11-24.

Conditions:
Charcot-Marie-Tooth disease axonal type 2P. Also called: CHARCOT-MARIE-TOOTH DISEASE, AXONAL, TYPE 2G; CMT 2G; CHARCOT-MARIE-TOOTH NEUROPATHY, TYPE 2P; Charcot-Marie-Tooth Neuropathy Type 2G. Identifiers: Orphanet 300319, Orphanet 99941, MedGen C3280797, MONDO:0013753, OMIM 614436.

Allele frequency attached by ClinVar (database versions not stated): gnomAD 0.00001; gnomAD exomes 0.00001; TOPMed 0.00001.
gnomAD v4.1: 7 of 1,614,112 alleles (0.00043%); highest among the groups gnomAD compares: Non-Finnish European, 0.00051%; no homozygotes.

Submissions (2):

Labcorp Genetics (formerly Invitae), Labcorp
Classification: Uncertain significance for Charcot-Marie-Tooth disease axonal type 2P. Last evaluated: 2024-11-24. Review status: criteria provided, single submitter. Criteria: Invitae Variant Classification Sherloc (09022015). Collection method: clinical testing. Allele origin: germline.
Comment: This sequence change replaces serine, which is neutral and polar, with cysteine, which is neutral and slightly polar, at codon 69 of the LRSAM1 protein (p.Ser69Cys). This variant is present in population databases (no rsID available, gnomAD 0.002%). This variant has not been reported in the literature in individuals affected with LRSAM1-related conditions. ClinVar contains an entry for this variant (Variation ID: 408263). Invitae Evidence Modeling of protein sequence and biophysical properties (such as structural, functional, and spatial information, amino acid conservation, physicochemical variation, residue mobility, and thermodynamic stability) indicates that this missense variant is expected to disrupt LRSAM1 protein function with a positive predictive value of 80%. In summary, the available evidence is currently insufficient to determine the role of this variant in disease. Therefore, it has been classified as a Variant of Uncertain Significance.

Women's Health and Genetics/Laboratory Corporation of America, LabCorp
Classification: Uncertain significance. Last evaluated: 2024-03-01. Review status: criteria provided, single submitter. Criteria: LabCorp Variant Classification Summary - May 2015. Collection method: clinical testing. Allele origin: germline.
Comment: Variant summary: LRSAM1 c.206C>G (p.Ser69Cys) results in a non-conservative amino acid change in the encoded protein sequence. Three of five in-silico tools predict a damaging effect of the variant on protein function. The variant allele was found at a frequency of 8e-06 in 251338 control chromosomes. The available data on variant occurrences in the general population are insufficient to allow any conclusion about variant significance. To our knowledge, no occurrence of c.206C>G in individuals affected with Charcot-Marie Disease Type 2P and no experimental evidence demonstrating its impact on protein function have been reported. ClinVar contains an entry for this variant (Variation ID: 408263). Based on the evidence outlined above, the variant was classified as uncertain significance.